The following is an entry in ClinVar:

ClinVar aggregate classification (germline): Pathogenic (1 of 4 stars; one submission).

Submission:

Labcorp Genetics (formerly Invitae), Labcorp
Classification: Pathogenic. Last evaluated: 2025-11-11. Review status: criteria provided, single submitter. Criteria: Invitae Variant Classification Sherloc (09022015). Collection method: clinical testing. Allele origin: germline.
Comment: This sequence change creates a premature translational stop signal (p.Met72Cysfs*2) in the PYROXD1 gene. It is expected to result in an absent or disrupted protein product. Loss-of-function variants in PYROXD1 are known to be pathogenic (PMID: 27745833). This variant is not present in population databases (gnomAD no frequency). This variant has not been reported in the literature in individuals affected with PYROXD1-related conditions. For these reasons, this variant has been classified as Pathogenic.

Literature cited by the submitters: PubMed 27745833.

NM_024854.5(PYROXD1):c.213del (p.Met72fs)

Gene: PYROXD1 (pyridine nucleotide-disulphide oxidoreductase domain 1; plus strand). Cytogenetic location: 12p12.1.
Variant type: Deletion.
Coding change: c.213del on transcript NM_024854.5 (MANE Select); coding-DNA position 213, one base deleted (C; older notation c.213delC).
Protein change: p.Met72fs; shifts the reading frame from methionine 72.
Molecular consequence: frameshift variant. On other transcripts: 5 prime UTR variant (2).
Genome position (GRCh38, 1-based): chr12:21,445,394, C deleted; the last of 2 consecutive C bases (chr12:21,445,393-21,445,394); deleting either gives the same sequence. VCF-style (leftmost placement, unchanged base first): chr12-21445392-AC-A. GRCh37 (hg19) VCF-style: chr12-21598326-AC-A.
Other names: c.-1del (NM_001350912.2); c.-491del (NM_001350913.2); short protein forms M72fs.
Identifiers: ClinVar variation 4730468 (VCV004730468.1).